The following is an entry in ClinVar:

ClinVar aggregate classification (germline): Benign/Likely benign. Review status: criteria provided, multiple submitters, no conflicts (2 of 4 stars). 4 submissions from 4 submitters: Benign (1); Likely benign (3). Last evaluated 2025-10-14.

Conditions:
Familial adenomatous polyposis 1 (FAP1). Also called: FAMILIAL ADENOMATOUS POLYPOSIS 1, ATTENUATED; POLYPOSIS, ADENOMATOUS INTESTINAL. Identifiers: MedGen C2713442, MONDO:0021056, OMIM 175100. Disease mechanism: loss of function.
Hereditary cancer-predisposing syndrome. Also called: Tumor predisposition; Hereditary neoplastic syndrome; Neoplastic Syndromes, Hereditary; Hereditary Cancer Syndrome. Identifiers: Orphanet 140162, MedGen C0027672, MeSH D009386, MONDO:0015356.

Allele frequency attached by ClinVar (database versions not stated): gnomAD exomes below 0.00001.
gnomAD v4.1: 1 of 1,613,536 alleles (0.000062%); highest among the groups gnomAD compares: Non-Finnish European, 0.000085%; no homozygotes.

Submissions (4):

Ambry Genetics
Classification: Likely benign for Hereditary cancer-predisposing syndrome. Last evaluated: 2025-10-14. Review status: criteria provided, single submitter. Criteria: Ambry Variant Classification Scheme 2023. Collection method: clinical testing. Allele origin: germline.

Labcorp Genetics (formerly Invitae), Labcorp
Classification: Likely benign for Familial adenomatous polyposis 1. Last evaluated: 2025-08-25. Review status: criteria provided, single submitter. Criteria: Invitae Variant Classification Sherloc (09022015). Collection method: clinical testing. Allele origin: germline.

Myriad Genetics, Inc.
Classification: Benign for Familial adenomatous polyposis 1. Last evaluated: 2024-04-15. Review status: criteria provided, single submitter. Criteria: Myriad Autosomal Dominant, Autosomal Recessive and X-Linked Classification Criteria (2023). Collection method: clinical testing. Allele origin: unknown.
Comment: This variant is considered benign. This variant is a silent/synonymous amino acid change and it is not expected to impact splicing.

GeneDx
Classification: Likely benign. Last evaluated: 2015-11-24. Review status: criteria provided, single submitter. Criteria: GeneDx Variant Classification (06012015). Collection method: clinical testing. Allele origin: germline. Affected: yes.
Comment: This variant is considered likely benign or benign based on one or more of the following criteria: it is a conservative change, it occurs at a poorly conserved position in the protein, it is predicted to be benign by multiple in silico algorithms, and/or has population frequency not consistent with disease.

NM_000038.6(APC):c.8319T>G (p.Pro2773=)

Gene: APC (APC regulator of Wnt signaling pathway; plus strand). Cytogenetic location: 5q22.2.
Variant type: single nucleotide variant.
Coding change: c.8319T>G on transcript NM_000038.6 (MANE Select); coding-DNA position 8319, T replaced by G.
Protein change: p.Pro2773=; no amino-acid change (proline 2773 retained).
Molecular consequence: synonymous variant.
Genome position (GRCh38, 1-based): chr5:112,843,913, T>G. VCF-style: chr5-112843913-T-G. GRCh37 (hg19) VCF-style: chr5-112179610-T-G.
Other names: c.8319T>G, p.Pro2773= (NM_001127510.3, NM_001354895.2); c.8265T>G, p.Pro2755= (NM_001127511.3); c.8373T>G, p.Pro2791= (NM_001354896.2); c.8349T>G, p.Pro2783= (NM_001354897.2); c.8244T>G, p.Pro2748= (NM_001354898.2); c.8235T>G, p.Pro2745= (NM_001354899.2); c.8196T>G, p.Pro2732= (NM_001354900.2); c.8142T>G, p.Pro2714= (NM_001354901.2); and 5 more.
Identifiers: ClinVar variation 132711 (VCV000132711.12), dbSNP rs587780539, ClinGen allele CA014548.